The following is an entry in ClinVar:

NM_000075.4(CDK4):c.408C>T (p.Ile136=)

Gene: CDK4 (cyclin dependent kinase 4; minus strand). Cytogenetic location: 12q14.1.
Variant type: single nucleotide variant.
Coding change: c.408C>T on transcript NM_000075.4 (MANE Select); coding-DNA position 408, C replaced by T.
Protein change: p.Ile136=; no amino-acid change (isoleucine 136 retained).
Molecular consequence: synonymous variant.
Genome position (GRCh38, 1-based): chr12:57,751,037, G>A on the plus strand (C>T on the coding strand, the complement: CDK4 is on the minus strand). VCF-style: chr12-57751037-G-A. GRCh37 (hg19) VCF-style: chr12-58144820-G-A.
Identifiers: ClinVar variation 231687 (VCV000231687.15), dbSNP rs758331285, ClinGen allele CA10579439.

ClinVar aggregate classification (germline): Benign/Likely benign. Review status: criteria provided, multiple submitters, no conflicts (2 of 4 stars). 3 submissions from 3 submitters: Benign (1); Likely benign (2). Last evaluated 2024-09-25.

Conditions:
Melanoma, cutaneous malignant, susceptibility to, 3. Also called: Cutaneous malignant melanoma 3. Identifiers: Orphanet 618, MedGen C1836892, MONDO:0012183, OMIM 609048.
Familial melanoma. Also called: Hereditary melanoma; Hereditary cutaneous melanoma. Identifiers: Orphanet 618, MedGen C1512419, MONDO:0018961.
Hereditary cancer-predisposing syndrome. Also called: Neoplastic Syndromes, Hereditary; Tumor predisposition; Hereditary Cancer Syndrome; Hereditary neoplastic syndrome. Identifiers: Orphanet 140162, MedGen C0027672, MeSH D009386, MONDO:0015356.

Allele frequency attached by ClinVar (database versions not stated): gnomAD exomes below 0.00001.

Submissions (3):

Myriad Genetics, Inc.
Classification: Benign for Melanoma, cutaneous malignant, susceptibility to, 3. Last evaluated: 2024-09-25. Review status: criteria provided, single submitter. Criteria: Myriad Autosomal Dominant, Autosomal Recessive and X-Linked Classification Criteria (2023). Collection method: clinical testing. Allele origin: unknown.
Comment: This variant is considered benign. This variant is a silent/synonymous amino acid change and it is not expected to impact splicing.

Labcorp Genetics (formerly Invitae), Labcorp
Classification: Likely benign for Familial melanoma. Last evaluated: 2021-12-30. Review status: criteria provided, single submitter. Criteria: Invitae Variant Classification Sherloc (09022015). Collection method: clinical testing. Allele origin: germline.

Ambry Genetics
Classification: Likely benign for Hereditary cancer-predisposing syndrome. Last evaluated: 2015-05-05. Review status: criteria provided, single submitter. Criteria: Ambry Variant Classification Scheme 2023. Collection method: clinical testing. Allele origin: germline.